The following is an entry in ClinVar:

NM_032043.3(BRIP1):c.3464_3474delinsCTAACTGATAGCTGAAACTGATA (p.Gly1155_Leu1158delinsAlaAsnTer)

Gene: BRIP1 (BRCA1 interacting DNA helicase 1; minus strand). Cytogenetic location: 17q23.2.
Variant type: Indel.
Coding change: c.3464_3474delinsCTAACTGATAGCTGAAACTGATA on transcript NM_032043.3 (MANE Select); coding-DNA positions 3464 to 3474, GAAATAGATTG replaced by CTAACTGATAGCTGAAACTGATA.
Protein change: p.Gly1155_Leu1158delinsAlaAsnTer.
Molecular consequence: nonsense. On other transcripts: inframe indel (1).
Genome position (GRCh38, 1-based): chr17:61,683,572-61,683,582, CAATCTATTTC replaced by TATCAGTTTCAGCTATCAGTTAG on the plus strand (GAAATAGATTG replaced by CTAACTGATAGCTGAAACTGATA on the coding strand, the reverse complement: BRIP1 is on the minus strand). GRCh37 (hg19): chr17:59,760,933-59,760,943.
Other names: c.3464_3474del11insCTAACTGATAGCTGAAACTGATA (NM_032043.2).
Identifiers: ClinVar variation 4842387 (VCV004842387.1).

ClinVar aggregate classification (germline): Uncertain significance (1 of 4 stars; one submission).

Conditions:
Hereditary cancer-predisposing syndrome. Also called: Neoplastic Syndromes, Hereditary; Tumor predisposition; Hereditary Cancer Syndrome; Hereditary neoplastic syndrome. Identifiers: Orphanet 140162, MedGen C0027672, MeSH D009386, MONDO:0015356.

Submission:

Ambry Genetics
Classification: Uncertain significance for Hereditary cancer-predisposing syndrome. Last evaluated: 2025-12-18. Review status: criteria provided, single submitter. Criteria: Ambry Variant Classification Scheme 2023. Collection method: clinical testing. Allele origin: germline.
Comment: The c.3464_3474del11ins23 variant (also known as p.G1155_L1158delinsAN*), located in coding exon 19 of the BRIP1 gene, results from a deletion of GAAATAGATTG and insertion of CTAACTGATAGCTGAAACTGATA at nucleotide positions 3464 to 3474. This results in the substitution of glycine and leucine residues for alanine and asparagine residues at codons 1155 and 1157 with a new premature stop codon at residue 1158. This alteration occurs at the 3' terminus of the gene, is not expected to trigger nonsense-mediated mRNAdecay, and impacts the last 7.5% of the protein. The exact functional effect of this alteration is unknown. Based on the available evidence, the clinical significance of this variant remains unclear.